The following is an entry in ClinVar:

ClinVar aggregate classification (germline): Likely benign. Review status: criteria provided, multiple submitters, no conflicts (2 of 4 stars). 2 submissions from 2 submitters: Likely benign (2). Last evaluated 2023-01-10.

Allele frequency attached by ClinVar (database versions not stated): gnomAD exomes below 0.00001.
gnomAD v4.1: 1 of 1,612,320 alleles (0.000062%); highest among the groups gnomAD compares: Non-Finnish European, 0.000085%; no homozygotes.

Submissions (2):

Blueprint Genetics
Classification: Likely benign. Last evaluated: 2023-01-10. Review status: criteria provided, single submitter. Criteria: ACMG Guidelines, 2015. Collection method: clinical testing. Allele origin: germline.

GeneDx
Classification: Likely benign. Last evaluated: 2016-11-28. Review status: criteria provided, single submitter. Criteria: GeneDx Variant Classification (06012015). Collection method: clinical testing. Allele origin: germline. Affected: yes.
Comment: This variant is considered likely benign or benign based on one or more of the following criteria: it is a conservative change, it occurs at a poorly conserved position in the protein, it is predicted to be benign by multiple in silico algorithms, and/or has population frequency not consistent with disease.

NM_001267550.2(TTN):c.53730A>G (p.Glu17910=)

Genes: TTN (titin; minus strand), TTN-AS1 (TTN antisense RNA 1; plus strand). Cytogenetic location: 2q31.2.
Variant type: single nucleotide variant.
Coding change: c.53730A>G on transcript NM_001267550.2 (MANE Select); coding-DNA position 53730, A replaced by G.
Protein change: p.Glu17910=; no amino-acid change (glutamic acid 17910 retained).
Molecular consequence: synonymous variant.
Genome position (GRCh38, 1-based): chr2:178,605,565, T>C on the plus strand (A>G on the coding strand, the complement: TTN is on the minus strand). VCF-style: chr2-178605565-T-C. GRCh37 (hg19) VCF-style: chr2-179470292-T-C.
Other names: c.48807A>G, p.Glu16269= (NM_001256850.1); c.26535A>G, p.Glu8845= (NM_003319.4); c.46026A>G, p.Glu15342= (NM_133378.4); c.26910A>G, p.Glu8970= (NM_133432.3); c.27111A>G, p.Glu9037= (NM_133437.4).
Identifiers: ClinVar variation 391174 (VCV000391174.2), dbSNP rs1057523995, ClinGen allele CA16603902.